The following is an entry in ClinVar:

NM_006206.6(PDGFRA):c.2266G>A (p.Asp756Asn)

Gene: PDGFRA (platelet derived growth factor receptor alpha; plus strand). Cytogenetic location: 4q12.
Variant type: single nucleotide variant.
Coding change: c.2266G>A on transcript NM_006206.6 (MANE Select); coding-DNA position 2266, G replaced by A.
Protein change: p.Asp756Asn; replaces aspartic acid 756 with asparagine.
Molecular consequence: missense variant.
Genome position (GRCh38, 1-based): chr4:54,280,425, G>A. VCF-style: chr4-54280425-G-A. GRCh37 (hg19) VCF-style: chr4-55146592-G-A.
Other names: c.2266G>A, p.Asp756Asn (NM_001347827.2, NM_001347829.2); c.2341G>A, p.Asp781Asn (NM_001347828.2); c.2305G>A, p.Asp769Asn (NM_001347830.2); short protein forms D756N, D781N, D769N.
Identifiers: ClinVar variation 348905 (VCV000348905.19), dbSNP rs555347387, ClinGen allele CA2922800.

ClinVar aggregate classification (germline): Conflicting classifications of pathogenicity. Review status: criteria provided, conflicting classifications (1 of 4 stars). 3 submissions from 3 submitters: Uncertain significance (2); Benign (1). Last evaluated 2024-12-09.

Conditions:
Gastrointestinal stromal tumor. Also called: Gastrointestinal stromal tumor, somatic; Gastrointestinal stroma tumor. Identifiers: Orphanet 44890, MedGen C0238198, MeSH D046152, MONDO:0011719, OMIM 606764, HP:0100723.
Polyps, multiple and recurrent inflammatory fibroid, gastrointestinal. Identifiers: MedGen C5193005, MONDO:0008285, OMIM 175510.
Hereditary cancer-predisposing syndrome. Also called: Tumor predisposition; Neoplastic Syndromes, Hereditary; Hereditary Cancer Syndrome; Hereditary neoplastic syndrome. Identifiers: Orphanet 140162, MedGen C0027672, MeSH D009386, MONDO:0015356.

Allele frequency attached by ClinVar (database versions not stated): gnomAD 0.00001; ExAC 0.00002; gnomAD exomes 0.00002 and 0.00005; TOPMed 0.00002; 1000 Genomes Project 30x 0.00016; 1000 Genomes Project 0.00020.
gnomAD v4.1: 31 of 1,613,632 alleles (0.0019%); highest among the groups gnomAD compares: East Asian, 0.031%; no homozygotes.

Submissions (3):

Labcorp Genetics (formerly Invitae), Labcorp
Classification: Uncertain significance for Gastrointestinal stromal tumor. Last evaluated: 2024-12-09. Review status: criteria provided, single submitter. Criteria: Invitae Variant Classification Sherloc (09022015). Collection method: clinical testing. Allele origin: germline.
Comment: This sequence change replaces aspartic acid, which is acidic and polar, with asparagine, which is neutral and polar, at codon 756 of the PDGFRA protein (p.Asp756Asn). This variant is present in population databases (rs555347387, gnomAD 0.04%). This variant has not been reported in the literature in individuals affected with PDGFRA-related conditions. ClinVar contains an entry for this variant (Variation ID: 348905). Invitae Evidence Modeling of protein sequence and biophysical properties (such as structural, functional, and spatial information, amino acid conservation, physicochemical variation, residue mobility, and thermodynamic stability) indicates that this missense variant is not expected to disrupt PDGFRA protein function with a negative predictive value of 80%. In summary, the available evidence is currently insufficient to determine the role of this variant in disease. Therefore, it has been classified as a Variant of Uncertain Significance.

Ambry Genetics
Classification: Benign for Hereditary cancer-predisposing syndrome. Last evaluated: 2024-08-20. Review status: criteria provided, single submitter. Criteria: Ambry Variant Classification Scheme 2023. Collection method: clinical testing. Allele origin: germline.

Baylor Genetics
Classification: Uncertain significance for Polyps, multiple and recurrent inflammatory fibroid, gastrointestinal. Last evaluated: 2024-03-24. Review status: criteria provided, single submitter. Criteria: ACMG Guidelines, 2015. Collection method: clinical testing. Allele origin: unknown.